The following is an entry in ClinVar:

NM_024675.4(PALB2):c.1206T>C (p.Leu402=)

Gene: PALB2 (partner and localizer of BRCA2; minus strand). Cytogenetic location: 16p12.2.
Variant type: single nucleotide variant.
Coding change: c.1206T>C on transcript NM_024675.4 (MANE Select); coding-DNA position 1206, T replaced by C.
Protein change: p.Leu402=; no amino-acid change (leucine 402 retained).
Molecular consequence: synonymous variant.
Genome position (GRCh38, 1-based): chr16:23,635,340, A>G on the plus strand (T>C on the coding strand, the complement: PALB2 is on the minus strand). VCF-style: chr16-23635340-A-G. GRCh37 (hg19) VCF-style: chr16-23646661-A-G.
Identifiers: ClinVar variation 492153 (VCV000492153.7), dbSNP rs1163836809, ClinGen allele CA494461780.

ClinVar aggregate classification (germline): Benign/Likely benign. Review status: criteria provided, multiple submitters, no conflicts (2 of 4 stars). 4 submissions from 4 submitters: Benign (1); Likely benign (3). Last evaluated 2025-09-14.

Conditions:
Hereditary cancer-predisposing syndrome. Also called: Hereditary neoplastic syndrome; Tumor predisposition; Hereditary Cancer Syndrome; Neoplastic Syndromes, Hereditary. Identifiers: Orphanet 140162, MedGen C0027672, MeSH D009386, MONDO:0015356.
Familial cancer of breast. Also called: Hereditary breast cancer; hereditary breast carcinoma; BREAST CANCER, FAMILIAL. Identifiers: Orphanet 227535, MedGen C0346153, MONDO:0016419, OMIM 114480. Disease mechanism: loss of function.

Allele frequency attached by ClinVar (database versions not stated): gnomAD exomes below 0.00001.
gnomAD v4.1: 1 of 1,614,038 alleles (0.000062%); highest among the groups gnomAD compares: Non-Finnish European, 0.000085%; no homozygotes.

Submissions (4):

Labcorp Genetics (formerly Invitae), Labcorp
Classification: Likely benign for Familial cancer of breast. Last evaluated: 2025-09-14. Review status: criteria provided, single submitter. Criteria: Invitae Variant Classification Sherloc (09022015). Collection method: clinical testing. Allele origin: germline.

Myriad Genetics, Inc.
Classification: Benign for Familial cancer of breast. Last evaluated: 2025-01-13. Review status: criteria provided, single submitter. Criteria: Myriad Autosomal Dominant, Autosomal Recessive and X-Linked Classification Criteria (2023). Collection method: clinical testing. Allele origin: unknown.
Comment: This variant is considered benign. This variant is a silent/synonymous amino acid change and it is not expected to impact splicing.

Ambry Genetics
Classification: Likely benign for Hereditary cancer-predisposing syndrome. Last evaluated: 2021-11-25. Review status: criteria provided, single submitter. Criteria: Ambry Variant Classification Scheme 2023. Collection method: clinical testing. Allele origin: germline.

Color Diagnostics, LLC DBA Color Health
Classification: Likely benign for Hereditary cancer-predisposing syndrome. Last evaluated: 2017-07-25. Review status: criteria provided, single submitter. Criteria: ACMG Guidelines, 2015. Collection method: clinical testing. Allele origin: germline.